The following is an entry in ClinVar:

NM_030665.4(RAI1):c.1603G>A (p.Ala535Thr)

Gene: RAI1 (retinoic acid induced 1; plus strand). Cytogenetic location: 17p11.2.
Variant type: single nucleotide variant.
Coding change: c.1603G>A on transcript NM_030665.4 (MANE Select); coding-DNA position 1603, G replaced by A.
Protein change: p.Ala535Thr; replaces alanine 535 with threonine.
Molecular consequence: missense variant.
Genome position (GRCh38, 1-based): chr17:17,794,551, G>A. VCF-style: chr17-17794551-G-A. GRCh37 (hg19) VCF-style: chr17-17697865-G-A.
Other names: c.1603G>A (NM_030665.3); short protein forms A535T.
Identifiers: ClinVar variation 1662755 (VCV001662755.11), dbSNP rs754428934, ClinGen allele CA8418369.

ClinVar aggregate classification (germline): Benign. Review status: criteria provided, single submitter (1 of 4 stars). 2 submissions from 2 submitters: Benign (1). 1 of the submissions does not count toward it. Last evaluated 2025-08-18.

Conditions:
RAI1-related disorder. Also called: RAI1-related condition.

Allele frequency attached by ClinVar (database versions not stated): ExAC 0.00001; TOPMed 0.00001.

Submissions (2):

Labcorp Genetics (formerly Invitae), Labcorp
Classification: Benign. Last evaluated: 2025-08-18. Review status: criteria provided, single submitter. Criteria: Invitae Variant Classification Sherloc (09022015). Collection method: clinical testing. Allele origin: germline.

PreventionGenetics, part of Exact Sciences
Classification: Uncertain significance for RAI1-related condition. Last evaluated: 2023-11-24. Review status: no assertion criteria provided. Collection method: clinical testing. Allele origin: germline. Not counted in ClinVar's aggregate classification.
Comment: The RAI1 c.1603G>A variant is predicted to result in the amino acid substitution p.Ala535Thr. To our knowledge, this variant has not been reported in the literature. This variant is reported in 0.00089% of alleles in individuals of European (Non-Finnish) descent in gnomAD. At this time, the clinical significance of this variant is uncertain due to the absence of conclusive functional and genetic evidence.